The following is an entry in ClinVar:

ClinVar aggregate classification (germline): Likely benign (1 of 4 stars; one submission).

Submission:

CeGaT Center for Human Genetics Tuebingen
Classification: Likely benign. Last evaluated: 2024-09-01. Review status: criteria provided, single submitter. Criteria: CeGaT Center For Human Genetics Tuebingen Variant Classification Criteria Version 2. Collection method: clinical testing. Allele origin: germline. Affected: yes. Observed: 1 variant allele.
Comment: CLEC18B: BP4, BP7

NM_001385193.1(CLEC18B):c.918C>T (p.Ile306=)

Gene: CLEC18B (C-type lectin domain family 18 member B; minus strand). Cytogenetic location: 16q23.1.
Variant type: single nucleotide variant.
Coding change: c.918C>T on transcript NM_001385193.1 (MANE Select); coding-DNA position 918, C replaced by T.
Protein change: p.Ile306=; no amino-acid change (isoleucine 306 retained).
Molecular consequence: synonymous variant.
Genome position (GRCh38, 1-based): chr16:74,411,735, G>A on the plus strand (C>T on the coding strand, the complement: CLEC18B is on the minus strand). VCF-style: chr16-74411735-G-A. GRCh37 (hg19) VCF-style: chr16-74445633-G-A.
Other names: c.918C>T, p.Ile306= (NM_001011880.3, NM_001385192.1); c.678C>T, p.Ile226= (NM_001385194.1, NM_001385195.1).
Identifiers: ClinVar variation 3388675 (VCV003388675.14).